The following is an entry in ClinVar:

NM_000334.4(SCN4A):c.3262G>A (p.Gly1088Ser)

Genes: GH-LCR (growth hormone locus control region; plus strand), SCN4A (sodium voltage-gated channel alpha subunit 4; minus strand). Cytogenetic location: 17q23.3.
Variant type: single nucleotide variant.
Coding change: c.3262G>A on transcript NM_000334.4 (MANE Select); coding-DNA position 3262, G replaced by A.
Protein change: p.Gly1088Ser; replaces glycine 1088 with serine.
Molecular consequence: missense variant.
Genome position (GRCh38, 1-based): chr17:63,947,946, C>T on the plus strand (G>A on the coding strand, the complement: SCN4A is on the minus strand). VCF-style: chr17-63947946-C-T. GRCh37 (hg19) VCF-style: chr17-62025306-C-T.
Other names: short protein forms G1088S.
Identifiers: ClinVar variation 1524925 (VCV001524925.11), dbSNP rs1282585219, ClinGen allele CA400621053.

ClinVar aggregate classification (germline): Uncertain significance. Review status: criteria provided, multiple submitters, no conflicts (2 of 4 stars). 4 submissions from 4 submitters: Uncertain significance (4). Last evaluated 2024-08-20.

Conditions:
Paramyotonia congenita of Von Eulenburg. Also called: PARALYSIS PERIODICA PARAMYOTONICA; Paramyotonia Congenita; Eulenburg disease; Myotonia congenita intermittens; Von Eulenburg paramyotonia congenita. Identifiers: Orphanet 684, MedGen C0221055, MONDO:0008195, OMIM 168300. Disease mechanism: loss of function.
Congenital myopathy 22A, classic (CMYO22A). Identifiers: MedGen C5830453, MONDO:0957247, OMIM 620351.
Congenital myopathy 22B, severe fetal (CMYO22B). Identifiers: MedGen C5830501, MONDO:0957265, OMIM 620369.
Hypokalemic periodic paralysis, type 2 (HOKPP2). Identifiers: Orphanet 681, MedGen C2750061, MONDO:0013234, OMIM 613345.
Potassium-aggravated myotonia. Also called: MYOTONIA CONGENITA, ACETAZOLAMIDE-RESPONSIVE; MYOTONIA CONGENITA, ATYPICAL; SODIUM CHANNEL MUSCLE DISEASE; Myotonia congenita, atypical, acetazolamide-responsive. Identifiers: Orphanet 612, Orphanet 99734, Orphanet 99735, Orphanet 99736, MedGen C2931826, MONDO:0018959, OMIM 608390.
Congenital myasthenic syndrome 16. Identifiers: Orphanet 590, MedGen C3280112, MONDO:0013620, OMIM 614198.
Hyperkalemic periodic paralysis. Also called: Familial hyperkalemic periodic paralysis; Gamstorp disease. Identifiers: Orphanet 682, MedGen C0238357, MONDO:0008224, OMIM 170500, HP:0007215.

Allele frequency attached by ClinVar (database versions not stated): TOPMed 0.00002; gnomAD exomes 0.00001 and below 0.00001.

Submissions (4):

Labcorp Genetics (formerly Invitae), Labcorp
Classification: Uncertain significance for Hyperkalemic periodic paralysis. Last evaluated: 2024-08-20. Review status: criteria provided, single submitter. Criteria: Invitae Variant Classification Sherloc (09022015). Collection method: clinical testing. Allele origin: germline.
Comment: This sequence change replaces glycine, which is neutral and non-polar, with serine, which is neutral and polar, at codon 1088 of the SCN4A protein (p.Gly1088Ser). This variant is present in population databases (no rsID available, gnomAD 0.0009%). This variant has not been reported in the literature in individuals affected with SCN4A-related conditions. ClinVar contains an entry for this variant (Variation ID: 1524925). Invitae Evidence Modeling of protein sequence and biophysical properties (such as structural, functional, and spatial information, amino acid conservation, physicochemical variation, residue mobility, and thermodynamic stability) indicates that this missense variant is expected to disrupt SCN4A protein function with a positive predictive value of 95%. In summary, the available evidence is currently insufficient to determine the role of this variant in disease. Therefore, it has been classified as a Variant of Uncertain Significance.

Fulgent Genetics
Classification: Uncertain significance for Paramyotonia congenita of Von Eulenburg; Hyperkalemic periodic paralysis; Potassium-aggravated myotonia; Hypokalemic periodic paralysis, type 2; Congenital myasthenic syndrome 16; Congenital myopathy 22A, classic; Congenital myopathy 22B, severe fetal. Last evaluated: 2024-03-18. Review status: criteria provided, single submitter. Criteria: ACMG Guidelines, 2015. Collection method: clinical testing. Allele origin: germline.

GeneDx
Classification: Uncertain significance. Last evaluated: 2023-02-02. Review status: criteria provided, single submitter. Criteria: GeneDx Variant Classification Process June 2021. Collection method: clinical testing. Allele origin: germline. Affected: yes.
Comment: Not observed at significant frequency in large population cohorts (gnomAD); In silico analysis supports that this missense variant has a deleterious effect on protein structure/function; Has not been previously published as pathogenic or benign to our knowledge

Athena Diagnostics
Classification: Uncertain significance. Last evaluated: 2022-09-26. Review status: criteria provided, single submitter. Criteria: Athena Diagnostics Criteria. Collection method: clinical testing. Allele origin: unknown.
Comment: Available data are insufficient to determine the clinical significance of the variant at this time. The frequency of this variant in the general population is uninformative in assessment of its pathogenicity. Computational tools predict that this variant is damaging.